The following is an entry in ClinVar:

ClinVar aggregate classification (germline): Uncertain significance (1 of 4 stars; one submission).

Conditions:
GREB1L-related disorder. Also called: GREB1L-related condition.

Allele frequency attached by ClinVar (database versions not stated): TOPMed below 0.00001; gnomAD 0.00002.
gnomAD v4.1: 17 of 1,551,516 alleles (0.0011%); highest among the groups gnomAD compares: East Asian, 0.022%; no homozygotes.

Submission:

PreventionGenetics, part of Exact Sciences
Classification: Uncertain significance for GREB1L-related condition. Last evaluated: 2026-02-23. Review status: criteria provided, single submitter. Criteria: ACMG Guidelines, 2015. Collection method: clinical testing. Allele origin: germline.
Comment: The GREB1L c.3798C>G variant is predicted to result in the amino acid substitution p.Ser1266Arg. This variant was reported in an individual with nonsyndromic hearing loss, although this patient also had potentially causative variants in another gene (Santos-Cortez et al. 2021. PubMed ID: 33924653). This variant is reported in 0.024% of alleles in individuals of East Asian descent in gnomAD. At this time, the clinical significance of this variant is uncertain due to the absence of conclusive functional and genetic evidence.

NM_001142966.3(GREB1L):c.3798C>G (p.Ser1266Arg)

Gene: GREB1L (GREB1 like retinoic acid receptor coactivator; plus strand). Cytogenetic location: 18q11.2.
Variant type: single nucleotide variant.
Coding change: c.3798C>G on transcript NM_001142966.3 (MANE Select); coding-DNA position 3798, C replaced by G.
Protein change: p.Ser1266Arg; replaces serine 1266 with arginine.
Molecular consequence: missense variant.
Genome position (GRCh38, 1-based): chr18:21,500,135, C>G. VCF-style: chr18-21500135-C-G. GRCh37 (hg19) VCF-style: chr18-19080096-C-G.
Other names: c.3927C>G, p.Ser1309Arg (NM_001410867.1); c.3471C>G, p.Ser1157Arg (NM_001410868.1); short protein forms S1157R, S1266R, S1309R.
Identifiers: ClinVar variation 2636705 (VCV002636705.2), dbSNP rs954005555, ClinGen allele CA296944992.